The following is an entry in ClinVar:

NM_052947.4(ALPK2):c.2519C>G (p.Thr840Arg)

Gene: ALPK2 (alpha kinase 2; minus strand). Cytogenetic location: 18q21.31.
Variant type: single nucleotide variant.
Coding change: c.2519C>G on transcript NM_052947.4 (MANE Select); coding-DNA position 2519, C replaced by G.
Protein change: p.Thr840Arg; replaces threonine 840 with arginine.
Molecular consequence: missense variant.
Genome position (GRCh38, 1-based): chr18:58,537,668, G>C on the plus strand (C>G on the coding strand, the complement: ALPK2 is on the minus strand). VCF-style: chr18-58537668-G-C. GRCh37 (hg19) VCF-style: chr18-56204900-G-C.
Other names: short protein forms T840R.
Identifiers: ClinVar variation 1792492 (VCV001792492.3), dbSNP rs1390793752, ClinGen allele CA402570354.

ClinVar aggregate classification (germline): Uncertain significance (1 of 4 stars; one submission).

Submission:

Ambry Genetics
Classification: Uncertain significance. Last evaluated: 2024-07-27. Review status: criteria provided, single submitter. Criteria: Ambry Variant Classification Scheme 2023. Collection method: clinical testing. Allele origin: germline.
Comment: The p.T840R variant (also known as c.2519C>G), located in coding exon 4 of the ALPK2 gene, results from a C to G substitution at nucleotide position 2519. The threonine at codon 840 is replaced by arginine, an amino acid with similar properties. This amino acid position is conserved. In addition, this alteration is predicted to be tolerated by in silico analysis. Since supporting evidence is limited at this time, the clinical significance of this alteration remains unclear.